The following is an entry in ClinVar:

ClinVar aggregate classification (germline): Uncertain significance. Review status: criteria provided, multiple submitters, no conflicts (2 of 4 stars). 2 submissions from 2 submitters: Uncertain significance (2). Last evaluated 2026-01-17.

Conditions:
Complex neurodevelopmental disorder with or without congenital anomalies. Identifiers: MedGen CN315647, MONDO:0100465.

gnomAD v4.1: 1 of 1,614,144 alleles (0.000062%); no homozygotes.

Submissions (2):

Dasa
Classification: Uncertain significance for complex neurodevelopmental disorder with or without congenital anomalies. Last evaluated: 2026-01-17. Review status: criteria provided, single submitter. Criteria: DASA Assertion Criteria. Collection method: clinical testing. Allele origin: germline.
Comment: NM_001375524.1(TRRAP):c.11119C>T (p.Pro3707Ser) is a missense variant that results in the substitution of proline with serine. This variant is rare in population databases. Computational prediction algorithms are consistent with a deleterious effect. The currently available literature and clinical evidence are not sufficient to establish a definitive association between this variant and the reported condition. Therefore, this variant is classified as a variant of uncertain significance.

Labcorp Genetics (formerly Invitae), Labcorp
Classification: Uncertain significance. Last evaluated: 2025-10-22. Review status: criteria provided, single submitter. Criteria: Invitae Variant Classification Sherloc (09022015). Collection method: clinical testing. Allele origin: germline.
Comment: This sequence change replaces proline, which is neutral and non-polar, with serine, which is neutral and polar, at codon 3664 of the TRRAP protein (p.Pro3664Ser). This variant is not present in population databases (gnomAD no frequency). This variant has not been reported in the literature in individuals affected with TRRAP-related conditions. This missense change has been observed in at least one individual who was not affected with TRRAP-related conditions (internal data). ClinVar contains an entry for this variant (Variation ID: 1962323). Invitae Evidence Modeling of protein sequence and biophysical properties (such as structural, functional, and spatial information, amino acid conservation, physicochemical variation, residue mobility, and thermodynamic stability) indicates that this missense variant is expected to disrupt TRRAP protein function with a positive predictive value of 80%. In summary, the available evidence is currently insufficient to determine the role of this variant in disease. Therefore, it has been classified as a Variant of Uncertain Significance.

NM_001375524.1(TRRAP):c.11119C>T (p.Pro3707Ser)

Gene: TRRAP (transformation/transcription domain associated protein; plus strand). Cytogenetic location: 7q22.1.
Variant type: single nucleotide variant.
Coding change: c.11119C>T on transcript NM_001375524.1 (MANE Select); coding-DNA position 11119, C replaced by T.
Protein change: p.Pro3707Ser; replaces proline 3707 with serine.
Molecular consequence: missense variant.
Genome position (GRCh38, 1-based): chr7:99,011,232, C>T. VCF-style: chr7-99011232-C-T. GRCh37 (hg19) VCF-style: chr7-98608855-C-T.
Other names: c.11077C>T, p.Pro3693Ser (NM_001244580.2); c.10990C>T, p.Pro3664Ser (NM_003496.4); short protein forms P3693S, P3707S, P3664S.
Identifiers: ClinVar variation 1962323 (VCV001962323.7), dbSNP rs766142206, ClinGen allele CA368342806.
Genomic context (GRCh38, chr7:99,011,232, plus strand): 5'-ACCATCCAGCTGGCTCTGATAGGCTTCGCGGAATTCGTCCTGCATTTAAATAGACTCAAC[C>T]CCGAGATGTTACAGATCGCTCAGGTAACCTGCTTTGAACAGCCAGATCCTCTCCTCGTGA-3'
Protein context (NP_001362453.1, residues 3697-3717): EFVLHLNRLN[Pro3707Ser]EMLQIAQDTG